The following is an entry in ClinVar:

NM_000482.4(APOA4):c.605C>T (p.Thr202Met)

Gene: APOA4 (apolipoprotein A4; minus strand). Cytogenetic location: 11q23.3.
Variant type: single nucleotide variant.
Coding change: c.605C>T on transcript NM_000482.4 (MANE Select); coding-DNA position 605, C replaced by T.
Protein change: p.Thr202Met; replaces threonine 202 with methionine.
Molecular consequence: missense variant.
Genome position (GRCh38, 1-based): chr11:116,821,453, G>A on the plus strand (C>T on the coding strand, the complement: APOA4 is on the minus strand). VCF-style: chr11-116821453-G-A. GRCh37 (hg19) VCF-style: chr11-116692169-G-A.
Other names: short protein forms T202M.
Identifiers: ClinVar variation 4802925 (VCV004802925.1).

ClinVar aggregate classification (germline): Uncertain significance (1 of 4 stars; one submission).

Submission:

Labcorp Genetics (formerly Invitae), Labcorp
Classification: Uncertain significance. Last evaluated: 2025-10-10. Review status: criteria provided, single submitter. Criteria: Invitae Variant Classification Sherloc (09022015). Collection method: clinical testing. Allele origin: germline.
Comment: This sequence change replaces threonine, which is neutral and polar, with methionine, which is neutral and non-polar, at codon 202 of the APOA4 protein (p.Thr202Met). This variant is present in population databases (rs147626624, gnomAD 0.02%). This missense change has been observed in individual(s) with dyslipidemia (PMID: 36325899). Invitae Evidence Modeling of protein sequence and biophysical properties (such as structural, functional, and spatial information, amino acid conservation, physicochemical variation, residue mobility, and thermodynamic stability) indicates that this missense variant is not expected to disrupt APOA4 protein function with a negative predictive value of 80%. In summary, the available evidence is currently insufficient to determine the role of this variant in disease. Therefore, it has been classified as a Variant of Uncertain Significance.

Literature cited by the submitters: PubMed 36325899.